The following is an entry in ClinVar:

NM_000540.3(RYR1):c.2979C>T (p.Asn993=)

Gene: RYR1 (ryanodine receptor 1; plus strand). Cytogenetic location: 19q13.2.
Variant type: single nucleotide variant.
Coding change: c.2979C>T on transcript NM_000540.3 (MANE Select); coding-DNA position 2979, C replaced by T.
Protein change: p.Asn993=; no amino-acid change (asparagine 993 retained).
Molecular consequence: synonymous variant.
Genome position (GRCh38, 1-based): chr19:38,466,199, C>T. VCF-style: chr19-38466199-C-T. GRCh37 (hg19) VCF-style: chr19-38956839-C-T.
Other names: p.Asn993=; c.2979C>T, p.Asn993= (NM_001042723.2).
Identifiers: ClinVar variation 93262 (VCV000093262.36), dbSNP rs2228070, ClinGen allele CA024380.

ClinVar aggregate classification (germline): Benign. Review status: criteria provided, multiple submitters, no conflicts (2 of 4 stars). 17 submissions from 15 submitters: Benign (13). 4 of the submissions do not count toward it. Last evaluated 2026-02-04.

Conditions:
Congenital multicore myopathy with external ophthalmoplegia (CMYO1B). Also called: MULTIMINICORE DISEASE WITH EXTERNAL OPHTHALMOPLEGIA; MULTICORE MYOPATHY; Minicore myopathy with external ophthalmoplegia; Congenital myopathy 1B, autosomal recessive; Minicore myopathy. Identifiers: Orphanet 598, Orphanet 98905, MedGen C1850674, MONDO:0009712, OMIM 255320, HP:0003789.
Central core myopathy (CMYO1A). Also called: CONGENITAL MYOPATHY 1A, AUTOSOMAL DOMINANT, WITH SUSCEPTIBILITY TO MALIGNANT HYPERTHERMIA; Central core disease; Myopathy, central fibrillar. Identifiers: Orphanet 597, MedGen C5830701, MONDO:0007294, OMIM 117000.
Malignant hyperthermia, susceptibility to, 1 (MHS1). Also called: Malignant hyperthermia suceptibility 1; Anesthesia related hyperthermia; Malignant hyperpyrexia; Fulminating hyperpyrexia; Pharmacogenic myopathy; RYR1-Related Malignant Hyperthermia Susceptibility. Identifiers: Orphanet 423, MedGen C2930980, MONDO:0007783, OMIM 145600.
RYR1-related disorder. Also called: RYR1-related condition; RYR1-related disorders. Identifiers: MedGen CN239331.

Allele frequency attached by ClinVar (database versions not stated): ESP Exome Variant Server 0.18354; TOPMed 0.18872; gnomAD 0.19758 and 0.20363; gnomAD exomes 0.23441 and 0.24212; 1000 Genomes Project 30x 0.23579; ExAC 0.24103; 1000 Genomes Project 0.24401.
gnomAD v4.1: 372,696 of 1,613,162 alleles (23%); highest among the groups gnomAD compares: East Asian, 37%; 45,268 homozygotes.

Submissions (17):

Labcorp Genetics (formerly Invitae), Labcorp
Classification: Benign for RYR1-related disorder. Last evaluated: 2026-02-04. Review status: criteria provided, single submitter. Criteria: Invitae Variant Classification Sherloc (09022015). Collection method: clinical testing. Allele origin: germline.

Blueprint Genetics
Classification: Benign. Last evaluated: 2024-11-28. Review status: criteria provided, single submitter. Criteria: ACMG Guidelines, 2015. Collection method: clinical testing. Allele origin: germline.

Color Diagnostics, LLC DBA Color Health
Classification: Benign for Malignant hyperthermia, susceptibility to, 1. Last evaluated: 2019-03-29. Review status: criteria provided, single submitter. Criteria: ACMG Guidelines, 2015. Collection method: clinical testing. Allele origin: germline.

PreventionGenetics, part of Exact Sciences
Classification: Benign. Last evaluated: 2018-03-29. Review status: criteria provided, single submitter. Criteria: ACMG Guidelines, 2015. Collection method: clinical testing. Allele origin: germline.

Illumina Laboratory Services, Illumina
Classification: Benign for Malignant hyperthermia, susceptibility to, 1. Last evaluated: 2018-01-12. Review status: criteria provided, single submitter. Criteria: ICSL Variant Classification Criteria 13 December 2019. Collection method: clinical testing. Allele origin: germline.
Comment: This variant was observed in the ICSL laboratory as part of a predisposition screen in an ostensibly healthy population. It had not been previously curated by ICSL or reported in the Human Gene Mutation Database (HGMD: prior to June 1st, 2018), and was therefore a candidate for classification through an automated scoring system. Utilizing variant allele frequency, disease prevalence and penetrance estimates, and inheritance mode, an automated score was calculated to assess if this variant is too frequent to cause the disease. Based on the score and internal cut-off values, a variant classified as benign is not then subjected to further curation. The score for this variant resulted in a classification of benign for this disease.

Illumina Laboratory Services, Illumina
Classification: Benign for Congenital multicore myopathy with external ophthalmoplegia. Last evaluated: 2018-01-12. Review status: criteria provided, single submitter. Criteria: ICSL Variant Classification Criteria 13 December 2019. Collection method: clinical testing. Allele origin: germline.
Comment: the same text as in the submission from Illumina Laboratory Services, Illumina above.

Illumina Laboratory Services, Illumina
Classification: Benign for Central core myopathy. Last evaluated: 2018-01-12. Review status: criteria provided, single submitter. Criteria: ICSL Variant Classification Criteria 13 December 2019. Collection method: clinical testing. Allele origin: germline.
Comment: the same text as in the submission from Illumina Laboratory Services, Illumina above.

Mayo Clinic Laboratories, Mayo Clinic
Classification: Benign. Last evaluated: 2017-08-24. Review status: criteria provided, single submitter. Criteria: ACMG Guidelines, 2015. Collection method: clinical testing. Allele origin: germline. Observed: 295 variant alleles.

GeneDx
Classification: Benign. Last evaluated: 2016-01-25. Review status: criteria provided, single submitter. Criteria: GeneDx Variant Classification (06012015). Collection method: clinical testing. Allele origin: germline. Affected: yes.
Comment: This variant is considered likely benign or benign based on one or more of the following criteria: it is a conservative change, it occurs at a poorly conserved position in the protein, it is predicted to be benign by multiple in silico algorithms, and/or has population frequency not consistent with disease.

Laboratory for Molecular Medicine, Mass General Brigham Personalized Medicine
Classification: Benign. Last evaluated: 2015-01-13. Review status: criteria provided, single submitter. Criteria: LMM Criteria. Collection method: clinical testing. Allele origin: germline. Observed: 3 variant alleles.
Comment: p.Asn993Asn in exon 24 of RYR1: This variant is not expected to have clinical si gnificance because it does not alter an amino acid residue and is not located wi thin the splice consensus sequence. It has been identified in 22.5% (1934/8596) of European American chromosomes from a broad population by the NHLBI Exome Sequ encing Project (dbSNP rs2228070).

Eurofins Ntd Llc (ga)
Classification: Benign. Last evaluated: 2014-04-22. Review status: criteria provided, single submitter. Criteria: EGL Classification Definitions 2015. Collection method: clinical testing. Allele origin: germline. Observed: 19 variant alleles, 17 heterozygotes, 2 homozygotes.

Genetic Services Laboratory, University of Chicago
Classification: Benign. Last evaluated: 2013-08-15. Review status: criteria provided, single submitter. Criteria: ACMG Guidelines, 2007. Collection method: clinical testing. Allele origin: germline. Inheritance: Autosomal unknown.

Breakthrough Genomics
Classification: Benign. Review status: criteria provided, single submitter. Criteria: ACMG Guidelines, 2015. Collection method: not provided. Allele origin: germline. Inheritance: Autosomal recessive inheritance. Affected: yes.

Clinical Genetics, Academic Medical Center
Classification: Benign. Review status: no assertion criteria provided. Collection method: clinical testing. Allele origin: germline. Affected: yes. Study: VKGL Data-share Consensus. Not counted in ClinVar's aggregate classification.

Diagnostic Laboratory, Department of Genetics, University Medical Center Groningen
Classification: Benign. Review status: no assertion criteria provided. Collection method: clinical testing. Allele origin: germline. Affected: yes. Study: VKGL Data-share Consensus. Not counted in ClinVar's aggregate classification.

Joint Genome Diagnostic Labs from Nijmegen and Maastricht, Radboudumc and MUMC+
Classification: Benign. Review status: no assertion criteria provided. Collection method: clinical testing. Allele origin: germline. Affected: yes. Study: VKGL Data-share Consensus. Not counted in ClinVar's aggregate classification.

RYR1 database
No classification provided. Review status: no classification provided. Collection method: not provided. Allele origin: unknown. Not counted in ClinVar's aggregate classification.